The following is an entry in ClinVar:

ClinVar aggregate classification (germline): Uncertain significance (1 of 4 stars; one submission).

Conditions:
Early-infantile DEE. Also called: Ohtahara syndrome; Early infantile epileptic encephalopathy; Early infantile epileptic encephalopathy with suppression bursts. Identifiers: Orphanet 1934, MedGen C0393706, MONDO:0800491.

Submission:

Labcorp Genetics (formerly Invitae), Labcorp
Classification: Uncertain significance for Early-infantile DEE. Last evaluated: 2025-09-28. Review status: criteria provided, single submitter. Criteria: Invitae Variant Classification Sherloc (09022015). Collection method: clinical testing. Allele origin: germline.
Comment: This sequence change falls in intron 20 of the SCN1A gene. It does not directly change the encoded amino acid sequence of the SCN1A protein. However, this sequence change falls within a region encompassing a cryptic exon in the SCN1A gene, in which variants have been shown to alter splicing (PMID: 30526861, 34107977). This variant is not present in population databases (gnomAD no frequency). This variant has not been reported in the literature in individuals affected with SCN1A-related conditions. ClinVar contains an entry for this variant (Variation ID: 1542710). Algorithms developed to predict the effect of sequence changes on RNA splicing suggest that this variant is not likely to affect RNA splicing. In summary, the available evidence is currently insufficient to determine the role of this variant in disease. Therefore, it has been classified as a Variant of Uncertain Significance.

Literature cited by the submitters: PubMed 30526861; PubMed 34107977.

NM_001165963.4(SCN1A):c.4002+2404T>C

Genes: SCN1A (sodium voltage-gated channel alpha subunit 1; minus strand), LOC102724058 (uncharacterized LOC102724058; plus strand). Cytogenetic location: 2q24.3.
Variant type: single nucleotide variant.
Coding change: c.4002+2404T>C on transcript NM_001165963.4 (MANE Select); 2404 bases into the intron after coding-DNA position 4002, T replaced by C.
Molecular consequence: intron variant.
Genome position (GRCh38, 1-based): chr2:166,007,315, A>G on the plus strand (T>C on the coding strand, the complement: SCN1A is on the minus strand). VCF-style: chr2-166007315-A-G. GRCh37 (hg19) VCF-style: chr2-166863825-A-G.
Other names: c.3969+2404T>C (NM_001353949.2, NM_001353950.2, NM_001353951.2 and 2 more transcripts); c.3918+2404T>C (NM_001353958.2, NM_001353957.2, NM_001165964.3); c.4002+2404T>C (NM_001202435.3, NM_001353948.2); c.3966+2404T>C (NM_001353955.2, NM_001353954.2); c.3915+2404T>C (NM_001353960.2); c.1560+2404T>C (NM_001353961.2).
Identifiers: ClinVar variation 1542710 (VCV001542710.9), dbSNP rs754877109, ClinGen allele CA59771568.
Genomic context (GRCh38, chr2:166,007,315, plus strand): 5'-ACCAGCGCTCCACCCCATCCAAGTTGGAGCAAGATTATCCTATACAAAATAGAAATATAT[A>G]GTTTGTTATTAGTTAGAAATCTGATATGACAGAACATTTGGTGTTACTTTTTGTTCATGA-3'